The following is an entry in ClinVar:

ClinVar aggregate classification (germline): Uncertain significance. Review status: criteria provided, multiple submitters, no conflicts (2 of 4 stars). 3 submissions from 3 submitters: Uncertain significance (3). Last evaluated 2025-06-24.

Conditions:
Combined immunodeficiency due to LRBA deficiency. Also called: Common variable immunodeficiency 8, with autoimmunity. Identifiers: Orphanet 445018, MedGen C3553512, MONDO:0013863, OMIM 614700.

Allele frequency attached by ClinVar (database versions not stated): gnomAD exomes 0.00003 and 0.00006; gnomAD 0.00001; TOPMed 0.00001; ExAC 0.00002.
gnomAD v4.1: 84 of 1,613,964 alleles (0.0052%); highest among the groups gnomAD compares: Non-Finnish European, 0.0071%; no homozygotes.

Submissions (3):

Clinical Genomics Laboratory, Washington University in St. Louis
Classification: Uncertain significance for Combined immunodeficiency due to LRBA deficiency. Last evaluated: 2025-06-24. Review status: criteria provided, single submitter. Criteria: ACMG Guidelines, 2015. Collection method: clinical testing. Allele origin: germline.
Comment: The LRBA c.4919T>C (p.Val1640Ala) variant has been reported in an individual with posterior uveitis (Li AS et al., PMID: 32707200). This variant is only observed on 7/251,212 alleles in the general population (gnomAD v2.1.1), indicating it is not a common variant. Computational predictors suggest that the variant does not impact LRBA function. This variant has been reported in the ClinVar database as a germline variant of uncertain significance by three submitters. Due to limited information, and based on ACMG/AMP guidelines for variant interpretation (Richards S et al., PMID: 25741868), the clinical significance of this variant is uncertain at this time.

Labcorp Genetics (formerly Invitae), Labcorp
Classification: Uncertain significance for Combined immunodeficiency due to LRBA deficiency. Last evaluated: 2021-09-07. Review status: criteria provided, single submitter. Criteria: Invitae Variant Classification Sherloc (09022015). Collection method: clinical testing. Allele origin: germline.
Comment: This sequence change replaces valine with alanine at codon 1640 of the LRBA protein (p.Val1640Ala). The valine residue is weakly conserved and there is a small physicochemical difference between valine and alanine. This variant is present in population databases (rs773862243, ExAC 0.004%). This missense change has been observed in individual(s) with posterior uveitis (PMID: 32707200). ClinVar contains an entry for this variant (Variation ID: 435784). Algorithms developed to predict the effect of missense changes on protein structure and function output the following: SIFT: "Tolerated"; PolyPhen-2: "Benign"; Align-GVGD: "Class C0". The alanine amino acid residue is found in multiple mammalian species, which suggests that this missense change does not adversely affect protein function. In summary, the available evidence is currently insufficient to determine the role of this variant in disease. Therefore, it has been classified as a Variant of Uncertain Significance.

Genetic Services Laboratory, University of Chicago
Classification: Uncertain significance. Last evaluated: 2016-04-18. Review status: criteria provided, single submitter. Criteria: ACMG Guidelines, 2015. Collection method: clinical testing. Allele origin: germline. Affected: no.

Literature cited by the submitters: PubMed 32707200 (cited by Labcorp Genetics (formerly Invitae), Labcorp).

NM_001364905.1(LRBA):c.4919T>C (p.Val1640Ala)

Gene: LRBA (LPS responsive beige-like anchor protein; minus strand). Cytogenetic location: 4q31.3.
Variant type: single nucleotide variant.
Coding change: c.4919T>C on transcript NM_001364905.1 (MANE Select); coding-DNA position 4919, T replaced by C.
Protein change: p.Val1640Ala; replaces valine 1640 with alanine.
Molecular consequence: missense variant.
Genome position (GRCh38, 1-based): chr4:150,828,432, A>G on the plus strand (T>C on the coding strand, the complement: LRBA is on the minus strand). VCF-style: chr4-150828432-A-G. GRCh37 (hg19) VCF-style: chr4-151749584-A-G.
Other names: c.4919T>C, p.Val1640Ala (NM_001199282.3, NM_001367550.1, NM_006726.5); short protein forms V1640A.
Identifiers: ClinVar variation 435784 (VCV000435784.10), dbSNP rs773862243, ClinGen allele CA3102624.
Genomic context (GRCh38, chr4:150,828,432, plus strand): 5'-TTTCCTCTATCATTTTTGGTTTCCGGAGACTTATTGACTTCTAAAGAAAGAGTAGATAGC[A>G]CCTCGCTGATTGCATCTGGGCCTGCACTGACACCAGGAGGTGCTGTGTGAGGAGTTACTT-3'
Protein context (NP_001351834.1, residues 1630-1650): VSAGPDAISE[Val1640Ala]LSTLSLEVNK